The following is an entry in ClinVar:

ClinVar aggregate classification (germline): Uncertain significance. Review status: criteria provided, multiple submitters, no conflicts (2 of 4 stars). 5 submissions from 5 submitters: Uncertain significance (4). 1 of the submissions does not count toward it. Last evaluated 2025-03-05.

Conditions:
Spermatogenic failure 50. Also called: Spermatogenic failures 50. Identifiers: MedGen C5436888, MONDO:0030869, OMIM 619145.
Premature ovarian failure 17. Identifiers: MedGen C5436889, MONDO:0030870, OMIM 619146.
Fanconi anemia complementation group U. Identifiers: MedGen C4310651, MONDO:0014987, OMIM 617247.
Hereditary cancer-predisposing syndrome. Also called: Tumor predisposition; Hereditary Cancer Syndrome; Hereditary neoplastic syndrome; Neoplastic Syndromes, Hereditary. Identifiers: Orphanet 140162, MedGen C0027672, MeSH D009386, MONDO:0015356.

Allele frequency attached by ClinVar (database versions not stated): gnomAD exomes below 0.00001 and 0.00001; ExAC 0.00001; gnomAD 0.00001; TOPMed 0.00001.
gnomAD v4.1: 17 of 1,613,882 alleles (0.0011%); highest among the groups gnomAD compares: Non-Finnish European, 0.0014%; no homozygotes.

Submissions (5):

Quest Diagnostics Nichols Institute San Juan Capistrano
Classification: Uncertain significance. Last evaluated: 2025-03-05. Review status: criteria provided, single submitter. Criteria: Quest Diagnostics criteria. Collection method: clinical testing. Allele origin: unknown.
Comment: The XRCC2 c.659A>T (p.Asp220Val) variant has been identified in individuals affected with breast cancer as well as in reportedly healthy individuals (PMID: 23054243 (2012), 33471991 (2021), see LOVD). A functional study indicates this variant has neutral effects on XRCC2 DNA repair efficiency in vivo (PMID: 27233470 (2016)). The frequency of this variant in the general population (Genome Aggregation Database) is uninformative in the assessment of its pathogenicity. Analysis of this variant using bioinformatics tools for the prediction of the effect of amino acid changes on protein structure and function yielded predictions that this variant is benign. Based on the available information, we are unable to determine the clinical significance of this variant.

Ambry Genetics
Classification: Uncertain significance for Hereditary cancer-predisposing syndrome. Last evaluated: 2024-05-29. Review status: criteria provided, single submitter. Criteria: Ambry Variant Classification Scheme 2023. Collection method: clinical testing. Allele origin: germline.
Comment: The p.D220V variant (also known as c.659A>T), located in coding exon 3 of the XRCC2 gene, results from an A to T substitution at nucleotide position 659. The aspartic acid at codon 220 is replaced by valine, an amino acid with highly dissimilar properties. This alteration was identified in 1/3548 BRCA1/2-negative familial breast cancer cases and 0/1435 controls (Hilbers FS et al. J. Med. Genet., 2012 Oct;49:618-20). A cDNA complementation assay showed that the DNA repair efficiency of this alteration is similar to wild type (Hilbers FS et al. Hum. Mutat., 2016 09;37:914-25). This amino acid position is not well conserved in available vertebrate species. In addition, this alteration is predicted to be tolerated by in silico analysis. Since supporting evidence is limited at this time, the clinical significance of this alteration remains unclear.

Labcorp Genetics (formerly Invitae), Labcorp
Classification: Uncertain significance. Last evaluated: 2024-03-23. Review status: criteria provided, single submitter. Criteria: Invitae Variant Classification Sherloc (09022015). Collection method: clinical testing. Allele origin: germline.
Comment: This sequence change replaces aspartic acid, which is acidic and polar, with valine, which is neutral and non-polar, at codon 220 of the XRCC2 protein (p.Asp220Val). This variant is present in population databases (rs765021741, gnomAD 0.0009%). This missense change has been observed in individual(s) with breast cancer (PMID: 23054243). ClinVar contains an entry for this variant (Variation ID: 486728). An algorithm developed to predict the effect of missense changes on protein structure and function (PolyPhen-2) suggests that this variant is likely to be tolerated. Experimental studies have shown that this missense change does not substantially affect XRCC2 function (PMID: 27233470). In summary, the available evidence is currently insufficient to determine the role of this variant in disease. Therefore, it has been classified as a Variant of Uncertain Significance.

Fulgent Genetics
Classification: Uncertain significance for Fanconi anemia complementation group U; Spermatogenic failure 50; Premature ovarian failure 17. Last evaluated: 2021-09-09. Review status: criteria provided, single submitter. Criteria: ACMG Guidelines, 2015. Collection method: clinical testing. Allele origin: unknown.

Leiden Open Variation Database
Classification: Uncertain significance. Last evaluated: 2016-04-14. Review status: no assertion criteria provided. Collection method: curation. Allele origin: germline. Affected: yes. Not counted in ClinVar's aggregate classification.
Comment: Curator: Arleen D. Auerbach. Submitter to LOVD: Florentine Hilbers.

Literature cited by the submitters: PubMed 23054243 (cited by 4 submitters); PubMed 27233470 (cited by 3 submitters); PubMed 33471991 (cited by Quest Diagnostics Nichols Institute San Juan Capistrano).

NM_005431.2(XRCC2):c.659A>T (p.Asp220Val)

Gene: XRCC2 (X-ray repair cross complementing 2; minus strand). Cytogenetic location: 7q36.1.
Variant type: single nucleotide variant.
Coding change: c.659A>T on transcript NM_005431.2 (MANE Select); coding-DNA position 659, A replaced by T.
Protein change: p.Asp220Val; replaces aspartic acid 220 with valine.
Molecular consequence: missense variant.
Genome position (GRCh38, 1-based): chr7:152,648,826, T>A on the plus strand (A>T on the coding strand, the complement: XRCC2 is on the minus strand). VCF-style: chr7-152648826-T-A. GRCh37 (hg19) VCF-style: chr7-152345911-T-A.
Other names: short protein forms D220V.
Identifiers: ClinVar variation 486728 (VCV000486728.19), dbSNP rs765021741, ClinGen allele CA4582314.
Genomic context (GRCh38, chr7:152,648,826, plus strand): 5'-AACATCCTGTGCTTCACCAGTTGCTGCCATGCCTTACAGAGATAAGGTCTGTAGTCTATG[T>A]CCACATCACACAGTCGTCGAGAGGCATGAGAAGGTTCTTCTGATGAGCTCGAGGCTTTCT-3'
Protein context (NP_005422.1, residues 210-230): SHASRRLCDV[Asp220Val]IDYRPYLCKA